The following is an entry in ClinVar:

ClinVar aggregate classification (germline): Uncertain significance (1 of 4 stars; one submission).

Conditions:
Cowden syndrome (CS). Also called: Cowden's disease; Cowden's syndrome; Cowden disease. Identifiers: Orphanet 201, MedGen C0018553, MONDO:0016063. Disease mechanism: gain of function.

Submission:

Labcorp Genetics (formerly Invitae), Labcorp
Classification: Uncertain significance for Cowden syndrome. Last evaluated: 2022-08-12. Review status: criteria provided, single submitter. Criteria: Invitae Variant Classification Sherloc (09022015). Collection method: clinical testing. Allele origin: germline.
Comment: In summary, the available evidence is currently insufficient to determine the role of this variant in disease. Therefore, it has been classified as a Variant of Uncertain Significance. Algorithms developed to predict the effect of missense changes on protein structure and function are either unavailable or do not agree on the potential impact of this missense change (SIFT: "Tolerated"; PolyPhen-2: "Probably Damaging"; Align-GVGD: "Class C0"). This variant has not been reported in the literature in individuals affected with PIK3CA-related conditions. This variant is not present in population databases (gnomAD no frequency). This sequence change replaces proline, which is neutral and non-polar, with alanine, which is neutral and non-polar, at codon 283 of the PIK3CA protein (p.Pro283Ala).

NM_006218.4(PIK3CA):c.847C>G (p.Pro283Ala)

Gene: PIK3CA (phosphatidylinositol-4,5-bisphosphate 3-kinase catalytic subunit alpha; plus strand). Cytogenetic location: 3q26.32.
Variant type: single nucleotide variant.
Coding change: c.847C>G on transcript NM_006218.4 (MANE Select); coding-DNA position 847, C replaced by G.
Protein change: p.Pro283Ala; replaces proline 283 with alanine.
Molecular consequence: missense variant.
Genome position (GRCh38, 1-based): chr3:179,203,577, C>G. VCF-style: chr3-179203577-C-G. GRCh37 (hg19) VCF-style: chr3-178921365-C-G.
Other names: short protein forms P283A.
Identifiers: ClinVar variation 2130187 (VCV002130187.4), dbSNP rs2108392597, ClinGen allele CA355279825.
Genomic context (GRCh38, chr3:179,203,577, plus strand): 5'-ATGGCTCGCCCCCTTAATCTCTTACAGTATATAAGAAGCTGTATAATGCTTGGGAGGATG[C>G]CCAATTTGATGTTGATGGCTAAAGAAAGCCTTTATTCTCAACTGCCAATGGACTGTTTTA-3'
Protein context (NP_006209.2, residues 273-293): IRSCIMLGRM[Pro283Ala]NLMLMAKESL